The following is an entry in ClinVar:

ClinVar aggregate classification (germline): Uncertain significance (1 of 4 stars; one submission).

gnomAD v4.1: 19 of 1,594,770 alleles (0.0012%); highest among the groups gnomAD compares: African/African-American, 0.0081%; no homozygotes.

Submission:

GeneDx
Classification: Uncertain significance. Last evaluated: 2026-04-15. Review status: criteria provided, single submitter. Criteria: GeneDx Variant Classification Process June 2021. Collection method: clinical testing. Allele origin: germline.
Comment: In silico analysis supports that this missense variant has a deleterious effect on protein structure/function; Has not been previously published as pathogenic or benign to our knowledge

NM_145246.5(FRA10AC1):c.364G>A (p.Glu122Lys)

Gene: FRA10AC1 (FRA10A associated CGG repeat 1; minus strand). Cytogenetic location: 10q23.33.
Variant type: single nucleotide variant.
Coding change: c.364G>A on transcript NM_145246.5 (MANE Select); coding-DNA position 364, G replaced by A.
Protein change: p.Glu122Lys; replaces glutamic acid 122 with lysine.
Molecular consequence: missense variant. On other transcripts: non-coding transcript variant (1).
Genome position (GRCh38, 1-based): chr10:93,692,662, C>T on the plus strand (G>A on the coding strand, the complement: FRA10AC1 is on the minus strand). VCF-style: chr10-93692662-C-T. GRCh37 (hg19) VCF-style: chr10-95452419-C-T.
Other names: c.364G>A, p.Glu122Lys (NM_001347712.2, NM_001347713.2, NM_001347714.2 and 1 more transcripts); short protein forms E122K.
Identifiers: ClinVar variation 4088218 (VCV004088218.2).